The following is an entry in ClinVar:

ClinVar aggregate classification (germline): Uncertain significance (1 of 4 stars; one submission).

Submission:

GeneDx
Classification: Uncertain significance. Last evaluated: 2024-07-23. Review status: criteria provided, single submitter. Criteria: GeneDx Variant Classification Process June 2021. Collection method: clinical testing. Allele origin: germline. Affected: yes.
Comment: Nonsense variant predicted to result in protein truncation or nonsense mediated decay in a gene or region of a gene for which loss of function is not a well-established mechanism of disease; Not observed at significant frequency in large population cohorts (gnomAD); Has not been previously published as pathogenic or benign to our knowledge

NM_001378974.1(FBXW11):c.800T>G (p.Leu267Ter)

Gene: FBXW11 (F-box and WD repeat domain containing 11; minus strand). Cytogenetic location: 5q35.1.
Variant type: single nucleotide variant.
Coding change: c.800T>G on transcript NM_001378974.1 (MANE Select); coding-DNA position 800, T replaced by G.
Protein change: p.Leu267Ter; replaces leucine 267 with a stop codon.
Molecular consequence: nonsense.
Genome position (GRCh38, 1-based): chr5:171,891,519, A>C on the plus strand (T>G on the coding strand, the complement: FBXW11 is on the minus strand). VCF-style: chr5-171891519-A-C. GRCh37 (hg19) VCF-style: chr5-171318523-A-C.
Other names: c.731T>G, p.Leu244Ter (NM_001378975.1); c.704T>G, p.Leu235Ter (NM_001378976.1); c.641T>G, p.Leu214Ter (NM_001378977.1, NM_001378978.1, NM_001378979.1); c.635T>G, p.Leu212Ter (NM_001378980.1, NM_033645.3); c.737T>G, p.Leu246Ter (NM_012300.3); c.698T>G, p.Leu233Ter (NM_033644.3); short protein forms L212*, L214*, L233*, L235*, L244*, L246*, L267*.
Identifiers: ClinVar variation 3600679 (VCV003600679.1).